The following is an entry in ClinVar:

ClinVar aggregate classification (germline): Pathogenic (1 of 4 stars; one submission).

Submission:

GeneDx
Classification: Pathogenic. Last evaluated: 2015-04-03. Review status: criteria provided, single submitter. Criteria: GeneDx Variant Classification (06012015). Collection method: clinical testing. Allele origin: germline. Affected: yes.
Comment: The c.745_746delAA deletion in the NR0B1 gene has been reported previously in association with X-linkedadrenal hypoplasia congenita (AHC) (Krone et al., 2005). The deletion causes a frameshift starting with codon Lysine 249, changes this amino acid to a Glutamic acid residue and creates a premature Stop codon at position 49 of the new reading frame, denoted p.K249EfsX49. This variant is predicted to cause loss of normal protein function either through protein truncation or nonsense-mediated mRNA decay. Therefore, we interpret this variant as pathogenic.

NM_000475.5(NR0B1):c.745_746del (p.Lys249fs)

Gene: NR0B1 (nuclear receptor subfamily 0 group B member 1; minus strand). Cytogenetic location: Xp21.2.
Variant type: Deletion.
Coding change: c.745_746del on transcript NM_000475.5 (MANE Select); coding-DNA positions 745 to 746, 2 bases deleted (AA; older notation c.745_746delAA).
Protein change: p.Lys249fs; shifts the reading frame from lysine 249.
Molecular consequence: frameshift variant.
Genome position (GRCh38, 1-based): chrX:30,308,618-30,308,619, TT deleted on the plus strand (AA on the coding strand, the reverse complement: NR0B1 is on the minus strand). VCF-style (leftmost placement, unchanged base first): chrX-30308617-CTT-C. GRCh37 (hg19) VCF-style: chrX-30326734-CTT-C.
Other names: short protein forms K249fs.
Identifiers: ClinVar variation 418850 (VCV000418850.2), dbSNP rs1064793475, ClinGen allele CA16621356.
Genomic context (GRCh38, chrX:30,308,617, plus strand): 5'-GACGAAGCGCAGCGTCTTCAACAGGCCCGCTGAGGCTGCCTCGCAGACCACCTGTGGACT[CTT>C]GAGCGCCACCGGCCGCAGCGCACCAGAGGAGGTGTCCCACCAGGGGGCCCTCGGCCGCTC-3'